The following is an entry in ClinVar:

NM_000016.6(ACADM):c.468+3_468+6del

Gene: ACADM (acyl-CoA dehydrogenase medium chain; plus strand). Cytogenetic location: 1p31.1.
Variant type: Deletion.
Coding change: c.468+3_468+6del on transcript NM_000016.6 (MANE Select); bases 3 to 6 of the intron after coding-DNA position 468, 4 bases deleted (GAGT; older notation c.468+3_468+6delGAGT).
Molecular consequence: splice donor variant. On other transcripts: intron variant (1).
Genome position (GRCh38, 1-based): chr1:75,734,874-75,734,877, GAGT deleted; deleting any 4 consecutive bases within chr1:75,734,872-75,734,877 gives the same sequence; the c. name uses the placement nearest the transcript's 3' end. VCF-style (leftmost placement, unchanged base first): chr1-75734871-TGTGA-T. GRCh37 (hg19) VCF-style: chr1-76200556-TGTGA-T.
Other names: c.480+3_480+6del (NM_001127328.3); c.567+3_567+6del (NM_001286043.2); c.360+3_360+6del (NM_001286042.2); c.-100+1952_-100+1955del (NM_001286044.2).
Identifiers: ClinVar variation 3667072 (VCV003667072.2).

ClinVar aggregate classification (germline): Uncertain significance (1 of 4 stars; one submission).

Conditions:
Medium-chain acyl-coenzyme A dehydrogenase deficiency (ACADMD). Also called: ACADM DEFICIENCY; MCADH DEFICIENCY; CARNITINE DEFICIENCY SECONDARY TO MEDIUM-CHAIN ACYL-CoA DEHYDROGENASE DEFICIENCY; Medium chain acyl-CoA dehydrogenase deficiency; MCADD; MCAD Deficiency. Identifiers: Orphanet 42, MedGen C0220710, MONDO:0008721, OMIM 201450.

Submission:

Labcorp Genetics (formerly Invitae), Labcorp
Classification: Uncertain significance for Medium-chain acyl-coenzyme A dehydrogenase deficiency. Last evaluated: 2024-06-04. Review status: criteria provided, single submitter. Criteria: Invitae Variant Classification Sherloc (09022015). Collection method: clinical testing. Allele origin: germline.
Comment: This sequence change falls in intron 6 of the ACADM gene. It does not directly change the encoded amino acid sequence of the ACADM protein. It affects a nucleotide within the consensus splice site. This variant is not present in population databases (gnomAD no frequency). This variant has been observed in individual(s) with medium-chain acyl-coenzyme A dehydrogenase deficiency (PMID: 32778825). Variants that disrupt the consensus splice site are a relatively common cause of aberrant splicing (PMID: 17576681, 9536098). Algorithms developed to predict the effect of sequence changes on RNA splicing suggest that this variant may disrupt the consensus splice site. In summary, the available evidence is currently insufficient to determine the role of this variant in disease. Therefore, it has been classified as a Variant of Uncertain Significance.

Literature cited by the submitters: PubMed 32778825; PubMed 17576681; PubMed 9536098.